The following is an entry in ClinVar:

NM_006015.6(ARID1A):c.2186C>T (p.Pro729Leu)

Gene: ARID1A (AT-rich interaction domain 1A; plus strand). Cytogenetic location: 1p36.11.
Variant type: single nucleotide variant.
Coding change: c.2186C>T on transcript NM_006015.6 (MANE Select); coding-DNA position 2186, C replaced by T.
Protein change: p.Pro729Leu; replaces proline 729 with leucine.
Molecular consequence: missense variant.
Genome position (GRCh38, 1-based): chr1:26,761,408, C>T. VCF-style: chr1-26761408-C-T. GRCh37 (hg19) VCF-style: chr1-27087899-C-T.
Other names: c.2186C>T, p.Pro729Leu (NM_139135.4); short protein forms P729L.
Identifiers: ClinVar variation 989255 (VCV000989255.4), dbSNP rs2080990909, ClinGen allele CA339154693.

ClinVar aggregate classification (germline): Uncertain significance (1 of 4 stars; one submission).

Conditions:
Intellectual disability, autosomal dominant 14 (CSS2). Also called: COFFIN-SIRIS SYNDROME 2. Identifiers: Orphanet 1465, MedGen C3553247, MONDO:0013819, OMIM 614607.

Allele frequency attached by ClinVar (database versions not stated): gnomAD exomes below 0.00001.
gnomAD v4.1: 1 of 1,614,206 alleles (0.000062%); highest among the groups gnomAD compares: Non-Finnish European, 0.000085%; no homozygotes.

Submission:

Illumina Laboratory Services, Illumina
Classification: Uncertain significance for Intellectual disability, autosomal dominant 14. Last evaluated: 2019-07-24. Review status: criteria provided, single submitter. Criteria: ICSLVariantClassificationCriteria RUGD 01 April 2020. Collection method: clinical testing. Allele origin: unknown.
Comment: The ARID1A c.2186C>T (p.Pro729Leu) variant is a missense variant located in a well-conserved residue of the protein. A literature search was performed for the gene, cDNA change, and amino acid change. No publications were found based on this search. This variant is not found in the Genome Aggregation Database in a region of good sequence coverage, so the variant is presumed to be rare. Based on the limited evidence, the p.Pro729Leu variant is classified as a variant of uncertain significance for Coffin-Siris syndrome.